The following is an entry in ClinVar:

ClinVar aggregate classification (germline): Uncertain significance (1 of 4 stars; one submission).

Conditions:
Inborn genetic diseases. Identifiers: MedGen C0950123, MeSH D030342.

Submission:

Ambry Genetics
Classification: Uncertain significance for Inborn genetic diseases. Last evaluated: 2026-07-04. Review status: criteria provided, single submitter. Criteria: Ambry Variant Classification Scheme 2023. Collection method: clinical testing. Allele origin: germline.
Comment: The p.L1319F variant (also known as c.3955C>T), located in coding exon 1 of the SAMD9 gene, results from a C to T substitution at nucleotide position 3955. The leucine at codon 1319 is replaced by phenylalanine, an amino acid with highly similar properties. This amino acid position is conserved. In addition, this alteration is predicted to be tolerated by in silico analysis. Based on the available evidence, the clinical significance of this variant remains unclear.

NM_017654.4(SAMD9):c.3955C>T (p.Leu1319Phe)

Gene: SAMD9 (sterile alpha motif domain containing 9; minus strand). Cytogenetic location: 7q21.2.
Variant type: single nucleotide variant.
Coding change: c.3955C>T on transcript NM_017654.4 (MANE Select); coding-DNA position 3955, C replaced by T.
Protein change: p.Leu1319Phe; replaces leucine 1319 with phenylalanine.
Molecular consequence: missense variant.
Genome position (GRCh38, 1-based): chr7:93,102,143, G>A on the plus strand (C>T on the coding strand, the complement: SAMD9 is on the minus strand). VCF-style: chr7-93102143-G-A. GRCh37 (hg19) VCF-style: chr7-92731456-G-A.
Other names: c.3955C>T, p.Leu1319Phe (NM_001193307.2); short protein forms L1319F.
Identifiers: ClinVar variation 5028752 (VCV005028752.1).